The following is an entry in ClinVar:

NM_000179.3(MSH6):c.1299T>C (p.Tyr433=)

Gene: MSH6 (mutS homolog 6; plus strand). Cytogenetic location: 2p16.3.
Variant type: single nucleotide variant.
Coding change: c.1299T>C on transcript NM_000179.3 (MANE Select); coding-DNA position 1299, T replaced by C.
Protein change: p.Tyr433=; no amino-acid change (tyrosine 433 retained).
Molecular consequence: synonymous variant.
Genome position (GRCh38, 1-based): chr2:47,799,282, T>C. VCF-style: chr2-47799282-T-C. GRCh37 (hg19) VCF-style: chr2-48026421-T-C.
Other names: c.393T>C, p.Tyr131= (NM_001281494.2, NM_001281493.2); c.909T>C, p.Tyr303= (NM_001281492.2).
Identifiers: ClinVar variation 512279 (VCV000512279.19), dbSNP rs267608055, ClinGen allele CA426120900.

ClinVar aggregate classification (germline): Benign/Likely benign. Review status: criteria provided, multiple submitters, no conflicts (2 of 4 stars). 6 submissions from 6 submitters: Benign (1); Likely benign (5). Last evaluated 2025-02-11.

Conditions:
Lynch syndrome 5 (LYNCH5). Also called: Colorectal cancer, hereditary nonpolyposis, type 5; Hereditary non-polyposis colorectal cancer, type 5. Identifiers: Orphanet 144, MedGen C1833477, MONDO:0013710, OMIM 614350. Disease mechanism: loss of function.
Hereditary nonpolyposis colorectal neoplasms. Identifiers: MedGen C0009405, MeSH D003123.
Hereditary cancer-predisposing syndrome. Also called: Hereditary Cancer Syndrome; Neoplastic Syndromes, Hereditary; Tumor predisposition; Hereditary neoplastic syndrome. Identifiers: Orphanet 140162, MedGen C0027672, MeSH D009386, MONDO:0015356.
Lynch syndrome. Identifiers: Orphanet 144, MedGen C4552100, MONDO:0005835. Disease mechanism: loss of function.

Allele frequency attached by ClinVar (database versions not stated): gnomAD exomes below 0.00001.
gnomAD v4.1: 1 of 1,614,096 alleles (0.000062%); highest among the groups gnomAD compares: Non-Finnish European, 0.000085%; no homozygotes.

Submissions (6):

Labcorp Genetics (formerly Invitae), Labcorp
Classification: Likely benign for Hereditary nonpolyposis colorectal neoplasms. Last evaluated: 2025-02-11. Review status: criteria provided, single submitter. Criteria: Invitae Variant Classification Sherloc (09022015). Collection method: clinical testing. Allele origin: germline.

Myriad Genetics, Inc.
Classification: Benign for Lynch syndrome 5. Last evaluated: 2024-12-26. Review status: criteria provided, single submitter. Criteria: Myriad Autosomal Dominant, Autosomal Recessive and X-Linked Classification Criteria (2023). Collection method: clinical testing. Allele origin: unknown.
Comment: This variant is considered benign. This variant is a silent/synonymous amino acid change and it is not expected to impact splicing.

All of Us Research Program, National Institutes of Health
Classification: Likely benign for Lynch syndrome. Last evaluated: 2023-11-30. Review status: criteria provided, single submitter. Criteria: ACMG Guidelines, 2015. Collection method: clinical testing. Allele origin: germline. Inheritance: Autosomal dominant inheritance. Observed: 2 variant alleles, 2 heterozygotes.
Comment: This study involves interpretation of variants in research participants for the purpose of population health screening. Participant phenotype was not available at the time of variant classification. Additional details can be found in publication PMID: 35346344, PMCID: PMC8962531

Color Diagnostics, LLC DBA Color Health
Classification: Likely benign for Hereditary cancer-predisposing syndrome. Last evaluated: 2023-07-20. Review status: criteria provided, single submitter. Criteria: ACMG Guidelines, 2015. Collection method: clinical testing. Allele origin: germline.

Ambry Genetics
Classification: Likely benign for Hereditary cancer-predisposing syndrome. Last evaluated: 2018-01-26. Review status: criteria provided, single submitter. Criteria: Ambry Variant Classification Scheme 2023. Collection method: clinical testing. Allele origin: germline.

GeneDx
Classification: Likely benign. Last evaluated: 2017-09-24. Review status: criteria provided, single submitter. Criteria: GeneDx Variant Classification (06012015). Collection method: clinical testing. Allele origin: germline. Affected: yes.
Comment: This variant is considered likely benign or benign based on one or more of the following criteria: it is a conservative change, it occurs at a poorly conserved position in the protein, it is predicted to be benign by multiple in silico algorithms, and/or has population frequency not consistent with disease.